The following is an entry in ClinVar:

NM_014363.6(SACS):c.5439dup (p.Glu1814fs)

Gene: SACS (sacsin molecular chaperone; minus strand). Cytogenetic location: 13q12.12.
Variant type: Duplication.
Coding change: c.5439dup on transcript NM_014363.6 (MANE Select); coding-DNA position 5439, one base duplicated (A; older notation c.5439dupA).
Protein change: p.Glu1814fs; shifts the reading frame from glutamic acid 1814.
Molecular consequence: frameshift variant.
Genome position (GRCh38, 1-based): chr13:23,338,437, T duplicated on the plus strand (A on the coding strand, the reverse complement: SACS is on the minus strand). VCF-style (leftmost placement, unchanged base first): chr13-23338436-C-CT. GRCh37 (hg19) VCF-style: chr13-23912575-C-CT.
Other names: c.4998dup, p.Glu1667fs (NM_001278055.2); c.5466dup, p.Glu1823fs (NM_001437336.1); short protein forms E1667fs, E1814fs, E1823fs.
Identifiers: ClinVar variation 5004888 (VCV005004888.1).
Genomic context (GRCh38, chr13:23,338,436, plus strand): 5'-GGGAAAACTTCAGAGCCTCTCCTGTGTCCATGCAAGTACACAGAAGCCACGTGGTACACT[C>CT]TACTGTTTTCTGTGACAACTCATCTGATGGCTTTTTTGATTGGCCAGACTTAGCCATTTC-3'

ClinVar aggregate classification (germline): Pathogenic (1 of 4 stars; one submission).

Conditions:
Charlevoix-Saguenay spastic ataxia (SACS). Also called: AUTOSOMAL RECESSIVE SPASTIC ATAXIA OF CHARLEVOIX-SAGUENAY; Spastic ataxia of Charlevoix-Saguenay; SPASTIC ATAXIA 6, AUTOSOMAL RECESSIVE. Identifiers: Orphanet 98, MedGen C1849140, MONDO:0010041, OMIM 270550.

Submission:

Myriad Genetics, Inc.
Classification: Pathogenic for Charlevoix-Saguenay spastic ataxia. Last evaluated: 2026-09-08. Review status: criteria provided, single submitter. Criteria: Myriad Autosomal Dominant, Autosomal Recessive and X-Linked Classification Criteria (2023). Collection method: clinical testing. Allele origin: unknown.
Comment: NM_014363.4(SACS):c.5439dupA(E1814Rfs*23) is a frameshift variant classified as pathogenic in the context of autosomal recessive spastic ataxia of Charlevoix-Saguenay. E1814Rfs*23 has not been observed in cases with relevant disease. Relevant functional assessments of this variant are not available in the literature. E1814Rfs*23 has not been observed in referenced population frequency databases. In summary, NM_014363.4(SACS):c.5439dupA(E1814Rfs*23) is a frameshift variant in a gene where loss of function is a known mechanism of disease and is predicted to disrupt protein function. Please note: this variant was assessed in the context of healthy population screening.